The following is an entry in ClinVar:

NM_198578.4(LRRK2):c.5505G>T (p.Glu1835Asp)

Gene: LRRK2 (leucine rich repeat kinase 2; plus strand). Cytogenetic location: 12q12.
Variant type: single nucleotide variant.
Coding change: c.5505G>T on transcript NM_198578.4 (MANE Select); coding-DNA position 5505, G replaced by T.
Protein change: p.Glu1835Asp; replaces glutamic acid 1835 with aspartic acid.
Molecular consequence: missense variant.
Genome position (GRCh38, 1-based): chr12:40,322,506, G>T. VCF-style: chr12-40322506-G-T. GRCh37 (hg19) VCF-style: chr12-40716308-G-T.
Other names: short protein forms E1835D.
Identifiers: ClinVar variation 3229698 (VCV003229698.1), dbSNP rs1945433796, ClinGen allele CA384420922.

ClinVar aggregate classification (germline): Uncertain significance (1 of 4 stars; one submission).

Conditions:
Inborn genetic diseases. Identifiers: MedGen C0950123, MeSH D030342.

Submission:

Ambry Genetics
Classification: Uncertain significance for Inborn genetic diseases. Last evaluated: 2023-10-26. Review status: criteria provided, single submitter. Criteria: Ambry Variant Classification Scheme 2023. Collection method: clinical testing. Allele origin: germline.
Comment: The p.E1835D variant (also known as c.5505G>T), located in coding exon 37 of the LRRK2 gene, results from a G to T substitution at nucleotide position 5505. The glutamic acid at codon 1835 is replaced by aspartic acid, an amino acid with highly similar properties. This amino acid position is conserved. In addition, this alteration is predicted to be tolerated by in silico analysis. Since supporting evidence is limited at this time, the clinical significance of this alteration remains unclear.